The following is an entry in ClinVar:

NM_000038.6(APC):c.1409-6A>G

Gene: APC (APC regulator of Wnt signaling pathway; plus strand). Cytogenetic location: 5q22.2.
Variant type: single nucleotide variant.
Coding change: c.1409-6A>G on transcript NM_000038.6 (MANE Select); 6 bases into the intron before coding-DNA position 1409, A replaced by G.
Molecular consequence: intron variant.
Genome position (GRCh38, 1-based): chr5:112,827,102, A>G. VCF-style: chr5-112827102-A-G. GRCh37 (hg19) VCF-style: chr5-112162799-A-G.
Other names: c.1409-6A>G (NM_001354895.2, NM_001127510.3); c.1439-6A>G (NM_001354897.2); c.1136-6A>G (NM_001354902.2); c.1355-6A>G (NM_001127511.3); c.1334-6A>G (NM_001354898.2); c.1031-6A>G (NM_001354904.2); c.560-6A>G (NM_001354906.2); c.1463-6A>G (NM_001354896.2); and 5 more.
Identifiers: ClinVar variation 265373 (VCV000265373.5), dbSNP rs886039508, ClinGen allele CA10588379.

ClinVar aggregate classification (germline): Likely pathogenic. Review status: criteria provided, multiple submitters, no conflicts (2 of 4 stars). 3 submissions from 3 submitters: Likely pathogenic (3). Last evaluated 2025-09-30.

Conditions:
Familial adenomatous polyposis 1 (FAP1). Also called: FAMILIAL ADENOMATOUS POLYPOSIS 1, ATTENUATED; POLYPOSIS, ADENOMATOUS INTESTINAL. Identifiers: MedGen C2713442, MONDO:0021056, OMIM 175100. Disease mechanism: loss of function.
Hereditary cancer-predisposing syndrome. Also called: Neoplastic Syndromes, Hereditary; Hereditary neoplastic syndrome; Hereditary Cancer Syndrome; Tumor predisposition. Identifiers: Orphanet 140162, MedGen C0027672, MeSH D009386, MONDO:0015356.

Submissions (3):

Ambry Genetics
Classification: Likely pathogenic for Hereditary cancer-predisposing syndrome. Last evaluated: 2025-09-30. Review status: criteria provided, single submitter. Criteria: Ambry Variant Classification Scheme 2023. Collection method: clinical testing. Allele origin: germline.
Comment: The c.1409-6A>G intronic variant results from an A to G substitution 6 nucleotides upstream from coding exon 11 in the APC gene. This variant was reported in individual(s) with features consistent with APC-related familial adenomatous polyposis (Lagarde A et al. J Med Genet, 2010 Oct;47:721-2; Cao X et al. Eur J Hum Genet, 2000 Jan;8:42-8; Ambry internal data). This nucleotide position is well conserved in available vertebrate species. In silico splice site analysis predicts that this alteration will weaken the native splice acceptor site and will result in the creation or strengthening of a novel splice acceptor site. This variant is considered to be rare based on population cohorts in the Genome Aggregation Database (gnomAD). Based on the majority of available evidence to date, this variant is likely to be pathogenic.

Myriad Genetics, Inc.
Classification: Likely pathogenic for Familial adenomatous polyposis 1. Last evaluated: 2023-05-01. Review status: criteria provided, single submitter. Criteria: Myriad Autosomal Dominant, Autosomal Recessive and X-Linked Classification Criteria (2023). Collection method: clinical testing. Allele origin: unknown.
Comment: This variant is considered likely pathogenic. This variant occurs within a consensus splice junction and is predicted to result in abnormal mRNA splicing of either an out-of-frame exon or an in-frame exon necessary for protein stability and/or normal function.

GeneDx
Classification: Likely pathogenic. Last evaluated: 2016-03-18. Review status: criteria provided, single submitter. Criteria: GeneDx Variant Classification (06012015). Collection method: clinical testing. Allele origin: germline. Affected: yes.
Comment: This variant is denoted APC c.1409-6A>G or IVS11-6A>G and consists of an A>G nucleotide substitution at the -6 position of intron 11 of the APC gene. This variant is predicted to result in the gain of a new cryptic splice acceptor site five nucleotides upstream of the natural site. This variant, also reported as APC IVS10-6A>G, has been demonstrated by protein truncation testing and minigene assays to cause abnormal splicing (Cao 2000, Lagarde 2010, Grandval 2014). Cao et al. (2000) described an APC c.1409-6A>G family with 100s to 1000s of colorectal polyps, congenital hypertrophy of the retinal pigment epithelium (CHRPE) and osteoma. APC c.1409-6A>G was not observed in approximately 6,500 individuals of European and African American ancestry in the NHLBI Exome Sequencing Project, suggesting it is not a common benign variant in these populations. The adenine (A) nucleotide that is altered is not conserved across species. Based on currently available information, we consider APC c.1409-6A>G to be a likely pathogenic variant.

Literature cited by the submitters: PubMed 10713886 (cited by Ambry Genetics); PubMed 20685668 (cited by Ambry Genetics).